The following is an entry in ClinVar:

NM_000081.4(LYST):c.1918T>C (p.Cys640Arg)

Gene: LYST (lysosomal trafficking regulator; minus strand). Cytogenetic location: 1q42.3.
Variant type: single nucleotide variant.
Coding change: c.1918T>C on transcript NM_000081.4 (MANE Select); coding-DNA position 1918, T replaced by C.
Protein change: p.Cys640Arg; replaces cysteine 640 with arginine.
Molecular consequence: missense variant.
Genome position (GRCh38, 1-based): chr1:235,808,900, A>G on the plus strand (T>C on the coding strand, the complement: LYST is on the minus strand). VCF-style: chr1-235808900-A-G. GRCh37 (hg19) VCF-style: chr1-235972200-A-G.
Other names: c.1918T>C, p.Cys640Arg (NM_001301365.1); short protein forms C640R.
Identifiers: ClinVar variation 1993029 (VCV001993029.4), dbSNP rs1402477105, ClinGen allele CA344961354.

ClinVar aggregate classification (germline): Uncertain significance (1 of 4 stars; one submission).

Conditions:
Chédiak-Higashi syndrome (CHS). Also called: Chediak-Higashi Syndrome. Identifiers: Orphanet 167, MedGen C0007965, MONDO:0008963, OMIM 214500.

Submission:

Labcorp Genetics (formerly Invitae), Labcorp
Classification: Uncertain significance for Chédiak-Higashi syndrome. Last evaluated: 2022-05-11. Review status: criteria provided, single submitter. Criteria: Invitae Variant Classification Sherloc (09022015). Collection method: clinical testing. Allele origin: germline.
Comment: This sequence change replaces cysteine, which is neutral and slightly polar, with arginine, which is basic and polar, at codon 640 of the LYST protein (p.Cys640Arg). This variant is not present in population databases (gnomAD no frequency). This variant has not been reported in the literature in individuals affected with LYST-related conditions. Algorithms developed to predict the effect of missense changes on protein structure and function are either unavailable or do not agree on the potential impact of this missense change (SIFT: "Tolerated"; PolyPhen-2: "Probably Damaging"; Align-GVGD: "Class C0"). In summary, the available evidence is currently insufficient to determine the role of this variant in disease. Therefore, it has been classified as a Variant of Uncertain Significance.